The following is an entry in ClinVar:

ClinVar aggregate classification (germline): Uncertain significance. Review status: criteria provided, single submitter (1 of 4 stars). 2 submissions from 2 submitters: Uncertain significance (1). 1 of the submissions does not count toward it. Last evaluated 2022-06-15.

Conditions:
Alstrom syndrome (ALMS). Identifiers: Orphanet 64, MedGen C0268425, MONDO:0008763, OMIM 203800.

Submissions (2):

Labcorp Genetics (formerly Invitae), Labcorp
Classification: Uncertain significance for Alstrom syndrome. Last evaluated: 2022-06-15. Review status: criteria provided, single submitter. Criteria: Invitae Variant Classification Sherloc (09022015). Collection method: clinical testing. Allele origin: germline.
Comment: This sequence change falls in intron 20 of the ALMS1 gene. It does not directly change the encoded amino acid sequence of the ALMS1 protein. It affects a nucleotide within the consensus splice site. This variant is not present in population databases (gnomAD no frequency). This variant has not been reported in the literature in individuals affected with ALMS1-related conditions. ClinVar contains an entry for this variant (Variation ID: 557187). Variants that disrupt the consensus splice site are a relatively common cause of aberrant splicing (PMID: 17576681, 9536098). Experimental studies and prediction algorithms are not available or were not evaluated, and the effect of this variant on mRNA splicing is currently unknown. In summary, the available evidence is currently insufficient to determine the role of this variant in disease. Therefore, it has been classified as a Variant of Uncertain Significance.

Counsyl
Classification: Uncertain significance for Alstrom syndrome. Last evaluated: 2018-03-12. Review status: no assertion criteria provided. Collection method: clinical testing. Allele origin: unknown. Not counted in ClinVar's aggregate classification.

Literature cited by the submitters: PubMed 17576681 (cited by Labcorp Genetics (formerly Invitae), Labcorp); PubMed 9536098 (cited by Labcorp Genetics (formerly Invitae), Labcorp).

NM_001378454.1(ALMS1):c.12299-3T>C

Gene: ALMS1 (ALMS1 centrosome and basal body associated protein; plus strand). Cytogenetic location: 2p13.1.
Variant type: single nucleotide variant.
Coding change: c.12299-3T>C on transcript NM_001378454.1 (MANE Select); 3 bases into the intron before coding-DNA position 12299, T replaced by C.
Molecular consequence: intron variant.
Genome position (GRCh38, 1-based): chr2:73,603,238, T>C. VCF-style: chr2-73603238-T-C. GRCh37 (hg19) VCF-style: chr2-73830365-T-C.
Other names: c.12302-3T>C (NM_015120.4); c.12299-3T>C (NM_015120.4).
Identifiers: ClinVar variation 557187 (VCV000557187.6), dbSNP rs1553422034, ClinGen allele CA658822850.